The following is an entry in ClinVar:

NM_004360.5(CDH1):c.2560G>A (p.Asp854Asn)

Gene: CDH1 (cadherin 1; plus strand). Cytogenetic location: 16q22.1.
Variant type: single nucleotide variant.
Coding change: c.2560G>A on transcript NM_004360.5 (MANE Select); coding-DNA position 2560, G replaced by A.
Protein change: p.Asp854Asn; replaces aspartic acid 854 with asparagine.
Molecular consequence: missense variant.
Genome position (GRCh38, 1-based): chr16:68,833,410, G>A. VCF-style: chr16-68833410-G-A. GRCh37 (hg19) VCF-style: chr16-68867313-G-A.
Other names: c.2560G>A (LRG_301t1); c.2377G>A, p.Asp793Asn (NM_001317184.2); c.1012G>A, p.Asp338Asn (NM_001317185.2); c.595G>A, p.Asp199Asn (NM_001317186.2); short protein forms D854N, D199N, D793N, D338N.
Identifiers: ClinVar variation 489857 (VCV000489857.7), dbSNP rs1555518257, ClinGen allele CA396472449.
Genomic context (GRCh38, chr16:68,833,410, plus strand): 5'-GACTATGAAGGAAGCGGTTCCGAAGCTGCTAGTCTGAGCTCCCTGAACTCCTCAGAGTCA[G>A]ACAAAGACCAGGACTATGACTACTTGAACGAATGGGGCAATCGCTTCAAGAAGCTGGCTG-3'
Protein context (NP_004351.1, residues 844-864): SLSSLNSSES[Asp854Asn]KDQDYDYLNE

ClinVar aggregate classification (germline): Uncertain significance. Review status: criteria provided, multiple submitters, no conflicts (2 of 4 stars). 4 submissions from 4 submitters: Uncertain significance (4). Last evaluated 2025-08-07.

Conditions:
Hereditary cancer-predisposing syndrome. Also called: Tumor predisposition; Neoplastic Syndromes, Hereditary; Hereditary Cancer Syndrome; Hereditary neoplastic syndrome. Identifiers: Orphanet 140162, MedGen C0027672, MeSH D009386, MONDO:0015356.
Hereditary diffuse gastric adenocarcinoma (HDGC). Also called: DIFFUSE GASTRIC AND LOBULAR BREAST CANCER SYNDROME. Identifiers: Orphanet 26106, MedGen C1708349, MONDO:0007648, OMIM 137215.

Submissions (4):

Ambry Genetics
Classification: Uncertain significance for Hereditary cancer-predisposing syndrome. Last evaluated: 2025-08-07. Review status: criteria provided, single submitter. Criteria: Ambry Variant Classification Scheme 2023. Collection method: clinical testing. Allele origin: germline.
Comment: The p.D854N variant (also known as c.2560G>A), located in coding exon 16 of the CDH1 gene, results from a G to A substitution at nucleotide position 2560. The aspartic acid at codon 854 is replaced by asparagine, an amino acid with highly similar properties. This amino acid position is highly conserved in available vertebrate species. In addition, this alteration is predicted to be tolerated by in silico analysis. Based on the available evidence, the clinical significance of this variant remains unclear.

Labcorp Genetics (formerly Invitae), Labcorp
Classification: Uncertain significance for Hereditary diffuse gastric adenocarcinoma. Last evaluated: 2025-04-14. Review status: criteria provided, single submitter. Criteria: Invitae Variant Classification Sherloc (09022015). Collection method: clinical testing. Allele origin: germline.
Comment: This sequence change replaces aspartic acid, which is acidic and polar, with asparagine, which is neutral and polar, at codon 854 of the CDH1 protein (p.Asp854Asn). This variant is not present in population databases (gnomAD no frequency). This missense change has been observed in individual(s) with breast cancer (PMID: 35534704). ClinVar contains an entry for this variant (Variation ID: 489857). An algorithm developed to predict the effect of missense changes on protein structure and function (PolyPhen-2) suggests that this variant is likely to be disruptive. In summary, the available evidence is currently insufficient to determine the role of this variant in disease. Therefore, it has been classified as a Variant of Uncertain Significance.

Mendelics
Classification: Uncertain significance. Last evaluated: 2022-05-04. Review status: criteria provided, single submitter. Criteria: Mendelics Assertion Criteria 2019. Collection method: clinical testing. Allele origin: germline.

Color Diagnostics, LLC DBA Color Health
Classification: Uncertain significance for Hereditary cancer-predisposing syndrome. Last evaluated: 2018-12-17. Review status: criteria provided, single submitter. Criteria: ACMG Guidelines, 2015. Collection method: clinical testing. Allele origin: germline.

Literature cited by the submitters: PubMed 35534704 (cited by Labcorp Genetics (formerly Invitae), Labcorp).